The following is an entry in ClinVar:

ClinVar aggregate classification (germline): Uncertain significance (1 of 4 stars; one submission).

Submission:

GeneDx
Classification: Uncertain significance. Last evaluated: 2023-09-29. Review status: criteria provided, single submitter. Criteria: GeneDx Variant Classification Process June 2021. Collection method: clinical testing. Allele origin: germline. Affected: yes.
Comment: Not observed at significant frequency in large population cohorts (gnomAD); In silico analysis supports that this missense variant has a deleterious effect on protein structure/function; Has not been previously published as pathogenic or benign to our knowledge

NM_001110556.2(FLNA):c.2271C>A (p.Ser757Arg)

Gene: FLNA (filamin A; minus strand). Cytogenetic location: Xq28.
Variant type: single nucleotide variant.
Coding change: c.2271C>A on transcript NM_001110556.2 (MANE Select); coding-DNA position 2271, C replaced by A.
Protein change: p.Ser757Arg; replaces serine 757 with arginine.
Molecular consequence: missense variant.
Genome position (GRCh38, 1-based): chrX:154,364,031, G>T on the plus strand (C>A on the coding strand, the complement: FLNA is on the minus strand). VCF-style: chrX-154364031-G-T. GRCh37 (hg19) VCF-style: chrX-153592399-G-T.
Other names: c.2271C>A, p.Ser757Arg (NM_001456.4); short protein forms S757R.
Identifiers: ClinVar variation 3253185 (VCV003253185.1), dbSNP rs2522752688.
Genomic context (GRCh38, chrX:154,364,031, plus strand): 5'-GCTACGTGAATGCTATCGAGATGGACTAAAGGCCGGTGGAGGTTGGCTCACCCTGAAGGG[G>T]CTGTTGGGGATGCTGACGCCTCCCCAGGACACCATGGCTGTGTGCTTCACCGGCTTCCTG-3'
Protein context (NP_001104026.1, residues 747-767): VSWGGVSIPN[Ser757Arg]PFRVNVGAGS